The following continues an entry in ClinVar:

NM_021870.3(FGG):c.323C>G (p.Ala108Gly)

Gene: FGG. ClinVar aggregate classification (germline): Conflicting classifications of pathogenicity. Pathogenic (2); Likely pathogenic (11); Uncertain significance (6); Likely benign (1).

Submissions 12 to 22 of 22:

Illumina Laboratory Services, Illumina
Classification: Likely pathogenic for Congenital fibrinogen deficiency. Last evaluated: 2021-03-10. Review status: criteria provided, single submitter. Criteria: ICSLVariantClassificationCriteria RUGD 01 April 2020. Collection method: clinical testing. Allele origin: unknown.
Comment: The FGG c.323C>G (p.Ala108Gly), also known as p.Ala82Gly based on its location in the mature peptide, and "fibrinogen Dunedin" is a recurrent missense variant. Across a selection of the available literature, the p.Ala108Gly has been reported in a heterozygous state in at least 10 individuals, and in a compound heterozygous state in at least one individual, all of whom are reported to have mild-moderate bleeding disorders with or without thromboembolism. This includes four individuals diagnosed with hypofibrinogenemia and one individual diagnosed with hypodysfibrinogenemia (Brennan et al. 2000; Ivaskevicius et al. 2005; Casini et a. 2017; Downes et al. 2019; Wypasek et al. 2019). The p.Ala108Gly variant is reported at a frequency of 0.003603 in the European (non-Finnish) population of the Genome Aggregation Database. This allele frequency is high but is consistent with available disease prevalence and penetrance estimates (Paraboschi et al. 2017). The p.Ala108Gly variant is located in the triple helix region that separates the E and D domains of the protein and it has been suggested that this variant may result in abnormal packing of the helices and defective polymerization, however this has not been confirmed experimentally (Brennan et al. 2000; Casini et a. 2017). Based on the collective evidence and application of the ACMG criteria, the p.Ala108Gly variant is classified as likely pathogenic for congenital fibrinogen deficiency.

Laboratory for Molecular Medicine, Mass General Brigham Personalized Medicine
Classification: Uncertain significance. Last evaluated: 2020-06-04. Review status: criteria provided, single submitter. Criteria: LMM Criteria. Collection method: clinical testing. Allele origin: germline. Observed: 1 variant allele.
Comment: The p.Ala108Gly variant in FGG has been reported in at least 5 individuals with hypofibrinogenemia, 2 individuals with dysfibrinogenemia, 1 individual with thrombocytopenia, and 1 individual with a clotting disorder. It segregated with disease in 3 affected individuals from 1 family, but that family also harbored a variant in FGB that may partially or fully explain the phenotype (Brennan 2000 PMID: 10688828, Bell 2011 PMID: 21228398, Smith 2018 PMID: 30349899, Downes 2019 PMID: 31064749, Guglielmone 2019 PMID: 30632992, Ferrari 2019, Moret 2019 PMID: 31295712, Saes 2019 PMID: 30431218). It has also been identified in 0.36% (462/128216) of European chromosomes by gnomAD. Computational prediction tools and conservation analyses suggest that this variant may not impact the protein, though this information is not predictive enough to rule out pathogenicity. In summary, while the clinical significance of this variant is uncertain. ACMG/AMP Criteria applied: PS4_Moderate, PP1, BS1, BP4.

NIHR Bioresource Rare Diseases, University of Cambridge
Classification: Likely pathogenic for Abnormal bleeding. Last evaluated: 2019-02-01. Review status: criteria provided, single submitter. Criteria: ACMG Guidelines, 2015. Collection method: research. Allele origin: unknown. Affected: yes. Observed: 2 heterozygotes. Study: ThromboGenomics.

ISTH-SSC Genomics in Thrombosis and Hemostasis, KU Leuven, Center for Molecular and Vascular Biology
Classification: Likely pathogenic for Thrombus. Review status: criteria provided, single submitter. Criteria: ACMG Guidelines, 2015. Collection method: clinical testing. Allele origin: germline. Affected: yes. Observed: 1 heterozygote.
Comment: Submitted to GoldVariant by Kathleen Freson, Center for Molecular and Vascular Biology, Leuven, Belgium

ISTH-SSC Genomics in Thrombosis and Hemostasis, KU Leuven, Center for Molecular and Vascular Biology
Classification: Likely pathogenic for Congenital afibrinogenemia. Review status: criteria provided, single submitter. Criteria: ACMG Guidelines, 2015. Collection method: clinical testing. Allele origin: germline. Affected: yes. Observed: 2 heterozygotes. Clinical features observed: Low fibrinogen, Variable fibrinogen levels.
Comment: the same text as in the submission from ISTH-SSC Genomics in Thrombosis and Hemostasis, KU Leuven, Center for Molecular and Vascular Biology above.

ISTH-SSC Genomics in Thrombosis and Hemostasis, KU Leuven, Center for Molecular and Vascular Biology
Classification: Likely pathogenic for Familial dysfibrinogenemia. Review status: criteria provided, single submitter. Criteria: ACMG Guidelines, 2015. Collection method: clinical testing. Allele origin: germline. Affected: yes. Observed: 1 heterozygote.
Comment: Submitted to the GoldVariant database by Kathleen Freson, Center for Molecular and Vascular Biology

Juno Genomics, Hangzhou Juno Genomics, Inc
Classification: Likely pathogenic for Congenital afibrinogenemia; Familial dysfibrinogenemia. Review status: criteria provided, single submitter. Criteria: ACMG Guidelines, 2015. Collection method: clinical testing. Allele origin: germline. Affected: yes.
Comment: Absent from controls (or at extremely low frequency if recessive) in Genome Aggregation Database, Exome Sequencing Project, 1000 Genomes Project, or Exome Aggregation Consortium.;The prevalence of the variant in affected individuals is significantly increased compared to the prevalence in controls.;Patient's phenotype or family history is highly specific for a disease with a single genetic etiology.

Lifecell International Pvt. Ltd
Classification: Likely pathogenic for Familial dysfibrinogenemia. Review status: criteria provided, single submitter. Criteria: ACMG Guidelines, 2015. Collection method: clinical testing. Allele origin: germline. Inheritance: Autosomal dominant inheritance. Affected: yes. Observed: 1 heterozygote.
Comment: A Heterozygous Missense variant c.323C>G in Exon 4 of the FGG gene that results in the amino acid substitution p.Ala108Gly was identified. The observed variant has a maximum allele frequency of 0.00195/0.00229% in gnomAD exomes and genomes, respectively. The severity of the impact of this variant on the protein is medium, based on the effect of the protein and REVEL score . Rare Exome Variant Ensemble Learner (REVEL) is an ensembl method for predicting the pathogenicity of missense variants based on a combination of scores from 13 individual tools: MutPred, FATHMM v2.3, VEST 3.0, PolyPhen-2, SIFT, PROVEAN, MutationAssessor, MutationTaster, LRT, GERP++, SiPhy, phyloP, and phastCons. The REVEL score for an individual missense variant can range from 0 to 1, with higher scores reflecting greater likelihood that the variant is diseasecausing. ClinVar has also classified this variant as ConflictingInterpretations (Variant ID: 547969). This variant is reported in hemizygous for hypofibrinogenemia (Couzen et al., 2022). For these reasons, this variant has been classified as Likely Pathogenic.

Neuberg Centre For Genomic Medicine, NCGM
Classification: Likely pathogenic for Congenital afibrinogenemia. Review status: criteria provided, single submitter. Criteria: ACMG Guidelines, 2015. Collection method: clinical testing. Allele origin: germline. Inheritance: Autosomal dominant inheritance. Affected: yes.
Comment: The missense variant c.323C>G (p.Ala108Gly) in FGG gene has been reported in heterozygous state in at least 10 individuals, and in a compound heterozygous state in at least one individual, all of whom are reported to have mild-moderate bleeding disorders with or without thromboembolism. This includes four individuals diagnosed with hypofibrinogenemia and one individual diagnosed with hypodysfibrinogenemia (Wypasek et al.,2019) . This variant has been reported to the ClinVar database as Likely Pathogenic. The p.Ala108Gly variant is novel (not in any individuals) in 1000 Genomes and allele frequency of 0.1986% is reported in gnomAD. The amino acid Ala at position 108 is changed to a Gly changing protein sequence and it might alter its composition and physico-chemical properties. In silico tools predict the variant to be tolerated. The residue is conserved across species. The amino acid change p.Ala108Gly in FGG is predicted as conserved by GERP++ and PhyloP across 100 vertebrates. For these reasons, this variant has been classified as Likely Pathogenic.

Zotz-Klimas Genetics Lab, MVZ Zotz Klimas
Classification: Pathogenic for Familial dysfibrinogenemia. Last evaluated: 2023-10-30. Review status: no assertion criteria provided. Collection method: clinical testing. Allele origin: germline. Affected: yes. Not counted in ClinVar's aggregate classification.

Birmingham Platelet Group; University of Birmingham
Classification: Likely pathogenic for Thrombocytopenia; Abnormal bleeding. Last evaluated: 2020-05-01. Review status: no assertion criteria provided. Collection method: research. Allele origin: germline. Affected: yes. Not counted in ClinVar's aggregate classification.

Literature cited by the submitters: PubMed 31064749 (cited by 5 submitters); PubMed 30349899 (cited by 4 submitters); PubMed 10688828 (cited by 4 submitters); PubMed 33477601 (cited by Women's Health and Genetics/Laboratory Corporation of America, LabCorp and Victorian Clinical Genetics Services, Murdoch Childrens Research Institute); PubMed 30431218 (cited by 3 submitters); PubMed 26105150 (cited by Women's Health and Genetics/Laboratory Corporation of America, LabCorp and Laboratory for Molecular Medicine, Mass General Brigham Personalized Medicine); PubMed 37583269 (cited by Women's Health and Genetics/Laboratory Corporation of America, LabCorp and Center for Genomic Medicine, Rigshospitalet, Copenhagen University Hospital); PubMed 35975558 (cited by 3 submitters); PubMed 35809055 (cited by 4 submitters); PubMed 38286442 (cited by Women's Health and Genetics/Laboratory Corporation of America, LabCorp); PubMed 32852326 (cited by 3 submitters); PubMed 41641643 (cited by Women's Health and Genetics/Laboratory Corporation of America, LabCorp); PubMed 31479941 (cited by 3 submitters); PubMed 32610551 (cited by Center for Genomic Medicine, Rigshospitalet, Copenhagen University Hospital); PubMed 17938819 (cited by Mayo Clinic Laboratories, Mayo Clinic); PubMed 19300242 (cited by Mayo Clinic Laboratories, Mayo Clinic); PubMed 25039884 (cited by Mayo Clinic Laboratories, Mayo Clinic); PubMed 28211264 (cited by Mayo Clinic Laboratories, Mayo Clinic and Illumina Laboratory Services, Illumina); PubMed 30632992 (cited by Mayo Clinic Laboratories, Mayo Clinic and Laboratory for Molecular Medicine, Mass General Brigham Personalized Medicine); PubMed 31352677 (cited by Mayo Clinic Laboratories, Mayo Clinic); PubMed 31295712 (cited by Mayo Clinic Laboratories, Mayo Clinic and Laboratory for Molecular Medicine, Mass General Brigham Personalized Medicine); PubMed 15795540 (cited by Illumina Laboratory Services, Illumina); PubMed 29240685 (cited by Illumina Laboratory Services, Illumina); PubMed 21228398 (cited by Laboratory for Molecular Medicine, Mass General Brigham Personalized Medicine); PubMed 30487145 (cited by Laboratory for Molecular Medicine, Mass General Brigham Personalized Medicine).